The following is an entry in ClinVar:

ClinVar aggregate classification (germline): Benign/Likely benign. Review status: criteria provided, multiple submitters, no conflicts (2 of 4 stars). 7 submissions from 7 submitters: Benign (6); Likely benign (1). Last evaluated 2026-01-31.

Conditions:
Joubert syndrome. Also called: Familial aplasia of the vermis; JOUBERT-BOLTSHAUSER SYNDROME. Identifiers: Orphanet 475, MedGen C5979921, MONDO:0018772.
Joubert syndrome 3 (JBTS3). Also called: AHI1-related Ciliopathy. Identifiers: Orphanet 220493, MedGen C1837713, MONDO:0012078, OMIM 608629.

Allele frequency attached by ClinVar (database versions not stated): gnomAD exomes 0.00047 and 0.00136; ExAC 0.00176; gnomAD 0.00497 and 0.00537; ESP Exome Variant Server 0.00546; 1000 Genomes Project 0.00559; TOPMed 0.00582; 1000 Genomes Project 30x 0.00640.
gnomAD v4.1: 1,477 of 1,572,134 alleles (0.094%); highest among the groups gnomAD compares: African/African-American, 1.7%; 17 homozygotes.

Submissions (7):

Labcorp Genetics (formerly Invitae), Labcorp
Classification: Benign for Joubert syndrome. Last evaluated: 2026-01-31. Review status: criteria provided, single submitter. Criteria: Invitae Variant Classification Sherloc (09022015). Collection method: clinical testing. Allele origin: germline.

Blueprint Genetics
Classification: Likely benign. Last evaluated: 2024-11-01. Review status: criteria provided, single submitter. Criteria: ACMG Guidelines, 2015. Collection method: clinical testing. Allele origin: germline.

GeneDx
Classification: Benign. Last evaluated: 2018-11-21. Review status: criteria provided, single submitter. Criteria: GeneDx Variant Classification Process June 2021. Collection method: clinical testing. Allele origin: germline. Affected: yes.

Illumina Laboratory Services, Illumina
Classification: Benign for Joubert syndrome 3. Last evaluated: 2018-01-12. Review status: criteria provided, single submitter. Criteria: ICSL Variant Classification Criteria 13 December 2019. Collection method: clinical testing. Allele origin: germline.
Comment: This variant was observed in the ICSL laboratory as part of a predisposition screen in an ostensibly healthy population. It had not been previously curated by ICSL or reported in the Human Gene Mutation Database (HGMD: prior to June 1st, 2018), and was therefore a candidate for classification through an automated scoring system. Utilizing variant allele frequency, disease prevalence and penetrance estimates, and inheritance mode, an automated score was calculated to assess if this variant is too frequent to cause the disease. Based on the score and internal cut-off values, a variant classified as benign is not then subjected to further curation. The score for this variant resulted in a classification of benign for this disease.

Genetic Services Laboratory, University of Chicago
Classification: Benign. Last evaluated: 2017-11-15. Review status: criteria provided, single submitter. Criteria: ACMG Guidelines, 2015. Collection method: clinical testing. Allele origin: germline. Affected: no.

Eurofins Ntd Llc (ga)
Classification: Benign. Last evaluated: 2014-08-26. Review status: criteria provided, single submitter. Criteria: EGL Classification Definitions 2015. Collection method: clinical testing. Allele origin: germline. Observed: 1 variant allele, 1 heterozygote.

PreventionGenetics, part of Exact Sciences
Classification: Benign. Review status: criteria provided, single submitter. Criteria: ACMG Guidelines, 2015. Collection method: clinical testing. Allele origin: germline.

NM_001134831.2(AHI1):c.3579T>C (p.Thr1193=)

Gene: AHI1 (Abelson helper integration site 1; minus strand). Cytogenetic location: 6q23.3.
Variant type: single nucleotide variant.
Coding change: c.3579T>C on transcript NM_001134831.2 (MANE Select); coding-DNA position 3579, T replaced by C.
Protein change: p.Thr1193=; no amino-acid change (threonine 1193 retained).
Molecular consequence: synonymous variant. On other transcripts: intron variant (1).
Genome position (GRCh38, 1-based): chr6:135,290,432, A>G on the plus strand (T>C on the coding strand, the complement: AHI1 is on the minus strand). VCF-style: chr6-135290432-A-G. GRCh37 (hg19) VCF-style: chr6-135611570-A-G.
Other names: c.3579T>C, p.Thr1193= (NM_001134830.2, NM_001350503.2, NM_017651.5); c.3486-4785T>C (NM_001350504.2).
Identifiers: ClinVar variation 196036 (VCV000196036.27), dbSNP rs115338154, ClinGen allele CA202097.